The following is an entry in ClinVar:

NM_000256.3(MYBPC3):c.3340A>G (p.Thr1114Ala)

Gene: MYBPC3 (myosin binding protein C3; minus strand). Cytogenetic location: 11p11.2.
Variant type: single nucleotide variant.
Coding change: c.3340A>G on transcript NM_000256.3 (MANE Select); coding-DNA position 3340, A replaced by G.
Protein change: p.Thr1114Ala; replaces threonine 1114 with alanine.
Molecular consequence: missense variant.
Genome position (GRCh38, 1-based): chr11:47,332,964, T>C on the plus strand (A>G on the coding strand, the complement: MYBPC3 is on the minus strand). VCF-style: chr11-47332964-T-C. GRCh37 (hg19) VCF-style: chr11-47354515-T-C.
Other names: short protein forms T1114A.
Identifiers: ClinVar variation 1172441 (VCV001172441.11), dbSNP rs1595841329, ClinGen allele CA380313855.

ClinVar aggregate classification (germline): Uncertain significance. Review status: criteria provided, multiple submitters, no conflicts (2 of 4 stars). 5 submissions from 5 submitters: Uncertain significance (5). Last evaluated 2025-10-21.

Conditions:
Left ventricular noncompaction 10 (LVNC10). Identifiers: Orphanet 154, Orphanet 54260, MedGen C3715165, MONDO:0014163, OMIM 615396.
Hypertrophic cardiomyopathy 4. Also called: Familial hypertrophic cardiomyopathy 4. Identifiers: MedGen C1861862, MONDO:0007268, OMIM 115197.
Cardiomyopathy (CMYO). Also called: Cardiomyopathies. Identifiers: Orphanet 167848, MedGen C0878544, MONDO:0004994, HP:0001638. Inheritance: Various modes of inheritance.
Hypertrophic cardiomyopathy. Also called: HYPERTROPHIC MYOCARDIOPATHY. Identifiers: Orphanet 217569, MedGen C0007194, MeSH D002312, MONDO:0005045, HP:0001639.

Allele frequency attached by ClinVar (database versions not stated): gnomAD exomes below 0.00001.
gnomAD v4.1: 2 of 1,609,678 alleles (0.00012%); highest among the groups gnomAD compares: Non-Finnish European, 0.00017%; no homozygotes.

Submissions (5):

Labcorp Genetics (formerly Invitae), Labcorp
Classification: Uncertain significance for Hypertrophic cardiomyopathy. Last evaluated: 2025-10-21. Review status: criteria provided, single submitter. Criteria: Invitae Variant Classification Sherloc (09022015). Collection method: clinical testing. Allele origin: germline.
Comment: This sequence change replaces threonine, which is neutral and polar, with alanine, which is neutral and non-polar, at codon 1114 of the MYBPC3 protein (p.Thr1114Ala). This variant is not present in population databases (gnomAD no frequency). This variant has not been reported in the literature in individuals affected with MYBPC3-related conditions. ClinVar contains an entry for this variant (Variation ID: 1172441). An algorithm developed to predict the effect of missense changes on protein structure and function (PolyPhen-2) suggests that this variant is likely to be disruptive. In summary, the available evidence is currently insufficient to determine the role of this variant in disease. Therefore, it has been classified as a Variant of Uncertain Significance.

All of Us Research Program, National Institutes of Health
Classification: Uncertain significance for Hypertrophic cardiomyopathy. Last evaluated: 2024-09-27. Review status: criteria provided, single submitter. Criteria: ACMG Guidelines, 2015. Collection method: clinical testing. Allele origin: germline. Inheritance: Autosomal dominant inheritance. Observed: 3 variant alleles, 3 heterozygotes.
Comment: This missense variant replaces threonine with alanine at codon 1114 of the MYBPC3 protein. Computational prediction suggests that this variant may not impact protein structure and function (internally defined REVEL score threshold <= 0.5, PMID: 27666373). To our knowledge, functional studies have not been reported for this variant. This variant has not been reported in individuals affected with MYBPC3-related disorders in the literature. This variant has not been identified in the general population by the Genome Aggregation Database (gnomAD). The available evidence is insufficient to determine the role of this variant in disease conclusively. Therefore, this variant is classified as a Variant of Uncertain Significance.

This study involves interpretation of variants in research participants for the purpose of population health screening. Participant phenotype was not available at the time of variant classification. Additional details can be found in publication PMID: 35346344, PMCID: PMC8962531

Color Diagnostics, LLC DBA Color Health
Classification: Uncertain significance for Cardiomyopathy. Last evaluated: 2024-03-06. Review status: criteria provided, single submitter. Criteria: ACMG Guidelines, 2015. Collection method: clinical testing. Allele origin: germline.
Comment: This missense variant replaces threonine with alanine at codon 1114 of the MYBPC3 protein. Computational prediction suggests that this variant may not impact protein structure and function (internally defined REVEL score threshold <= 0.5, PMID: 27666373). To our knowledge, functional studies have not been reported for this variant. This variant has not been reported in individuals affected with MYBPC3-related disorders in the literature. This variant has not been identified in the general population by the Genome Aggregation Database (gnomAD). The available evidence is insufficient to determine the role of this variant in disease conclusively. Therefore, this variant is classified as a Variant of Uncertain Significance.

Fulgent Genetics
Classification: Uncertain significance for Hypertrophic cardiomyopathy 4; Left ventricular noncompaction 10. Last evaluated: 2021-08-27. Review status: criteria provided, single submitter. Criteria: ACMG Guidelines, 2015. Collection method: clinical testing. Allele origin: unknown.

GeneDx
Classification: Uncertain significance. Last evaluated: 2020-06-15. Review status: criteria provided, single submitter. Criteria: GeneDx Variant Classification Process June 2021. Collection method: clinical testing. Allele origin: germline. Affected: yes.
Comment: Has not been previously published as pathogenic or benign to our knowledge; Not observed in large population cohorts (Lek et al., 2016); In silico analysis, which includes protein predictors and evolutionary conservation, supports a deleterious effect